The following is an entry in ClinVar:

NM_004859.4(CLTC):c.74T>C (p.Ile25Thr)

Gene: CLTC (clathrin heavy chain; plus strand). Cytogenetic location: 17q23.1.
Variant type: single nucleotide variant.
Coding change: c.74T>C on transcript NM_004859.4 (MANE Select); coding-DNA position 74, T replaced by C.
Protein change: p.Ile25Thr; replaces isoleucine 25 with threonine.
Molecular consequence: missense variant.
Genome position (GRCh38, 1-based): chr17:59,644,307, T>C. VCF-style: chr17-59644307-T-C. GRCh37 (hg19) VCF-style: chr17-57721668-T-C.
Other names: c.74T>C, p.Ile25Thr (NM_001288653.2); short protein forms I25T.
Identifiers: ClinVar variation 4770891 (VCV004770891.1).
Genomic context (GRCh38, chr17:59,644,307, plus strand): 5'-GTAACATGGTTTCTTATTATTTTTTCTAGCTCCAGAACCTGGGTATCAACCCAGCAAACA[T>C]TGGCTTCAGTACCCTGACTATGGAGTCTGACAAATTCATCTGCATTAGAGAAAAAGTAGG-3'
Protein context (NP_004850.1, residues 15-35): LQNLGINPAN[Ile25Thr]GFSTLTMESD

ClinVar aggregate classification (germline): Uncertain significance (1 of 4 stars; one submission).

gnomAD v4.1: 2 of 1,614,096 alleles (0.00012%); highest among the groups gnomAD compares: Non-Finnish European, 0.00017%; no homozygotes.

Submission:

Labcorp Genetics (formerly Invitae), Labcorp
Classification: Uncertain significance. Last evaluated: 2025-10-08. Review status: criteria provided, single submitter. Criteria: Invitae Variant Classification Sherloc (09022015). Collection method: clinical testing. Allele origin: germline.
Comment: This sequence change replaces isoleucine, which is neutral and non-polar, with threonine, which is neutral and polar, at codon 25 of the CLTC protein (p.Ile25Thr). This variant is not present in population databases (gnomAD no frequency). This variant has not been reported in the literature in individuals affected with CLTC-related conditions. Invitae Evidence Modeling of protein sequence and biophysical properties (such as structural, functional, and spatial information, amino acid conservation, physicochemical variation, residue mobility, and thermodynamic stability) indicates that this missense variant is expected to disrupt CLTC protein function with a positive predictive value of 80%. In summary, the available evidence is currently insufficient to determine the role of this variant in disease. Therefore, it has been classified as a Variant of Uncertain Significance.